The following is an entry in ClinVar:

NM_000836.4(GRIN2D):c.1573A>G (p.Ile525Val)

Gene: GRIN2D (glutamate ionotropic receptor NMDA type subunit 2D; plus strand). Cytogenetic location: 19q13.33.
Variant type: single nucleotide variant.
Coding change: c.1573A>G on transcript NM_000836.4 (MANE Select); coding-DNA position 1573, A replaced by G.
Protein change: p.Ile525Val; replaces isoleucine 525 with valine.
Molecular consequence: missense variant.
Genome position (GRCh38, 1-based): chr19:48,415,024, A>G. VCF-style: chr19-48415024-A-G. GRCh37 (hg19) VCF-style: chr19-48918281-A-G.
Other names: short protein forms I525V.
Identifiers: ClinVar variation 3363662 (VCV003363662.1).

ClinVar aggregate classification (germline): Uncertain significance (1 of 4 stars; one submission).

Submission:

GeneDx
Classification: Uncertain significance. Last evaluated: 2023-10-31. Review status: criteria provided, single submitter. Criteria: GeneDx Variant Classification Process June 2021. Collection method: clinical testing. Allele origin: germline. Affected: yes.
Comment: Not observed at significant frequency in large population cohorts (gnomAD); In silico analysis supports that this missense variant does not alter protein structure/function; Has not been previously published as pathogenic or benign to our knowledge